The following is an entry in ClinVar:

NM_001110556.2(FLNA):c.7009G>A (p.Val2337Ile)

Gene: FLNA (filamin A; minus strand). Cytogenetic location: Xq28.
Variant type: single nucleotide variant.
Coding change: c.7009G>A on transcript NM_001110556.2 (MANE Select); coding-DNA position 7009, G replaced by A.
Protein change: p.Val2337Ile; replaces valine 2337 with isoleucine.
Molecular consequence: missense variant.
Genome position (GRCh38, 1-based): chrX:154,351,595, C>T on the plus strand (G>A on the coding strand, the complement: FLNA is on the minus strand). VCF-style: chrX-154351595-C-T. GRCh37 (hg19) VCF-style: chrX-153579963-C-T.
Other names: c.6985G>A, p.Val2329Ile (NM_001456.4); short protein forms V2329I, V2337I.
Identifiers: ClinVar variation 4789570 (VCV004789570.1).

ClinVar aggregate classification (germline): Uncertain significance (1 of 4 stars; one submission).

Conditions:
Heterotopia, periventricular, X-linked dominant (PVNH1). Also called: PERIVENTRICULAR NODULAR HETEROTOPIA 4; HETEROTOPIA, PERIVENTRICULAR, 1; PERIVENTRICULAR NODULAR HETEROTOPIA 1; X-linked periventricular heterotopia. Identifiers: Orphanet 2149, Orphanet 82004, MedGen C1848213, MONDO:0010233, OMIM 300049.
Oto-palato-digital syndrome, type II (OPD2). Also called: Otopalatodigital Syndrome, Type II; FACIOPALATOOSSEOUS SYNDROME; OPD II SYNDROME; Otopalatodigital Syndrome Type 2 (FLNA-OPD2). Identifiers: Orphanet 669, Orphanet 90652, MedGen C1844696, MONDO:0010571, OMIM 304120.
Melnick-Needles syndrome (MNS). Also called: MELNICK-NEEDLES OSTEODYSPLASTY; OSTEODYSPLASTY OF MELNICK AND NEEDLES; Melnick-Needles Syndrome (FLNA-MNS). Identifiers: Orphanet 2484, MedGen C0025237, MONDO:0010650, OMIM 309350.
Frontometaphyseal dysplasia (FMD1). Identifiers: Orphanet 1826, MedGen C0265293, MONDO:0015942.

Submission:

Labcorp Genetics (formerly Invitae), Labcorp
Classification: Uncertain significance for Oto-palato-digital syndrome, type II; Heterotopia, periventricular, X-linked dominant; Frontometaphyseal dysplasia; Melnick-Needles syndrome. Last evaluated: 2025-12-15. Review status: criteria provided, single submitter. Criteria: Invitae Variant Classification Sherloc (09022015). Collection method: clinical testing. Allele origin: germline.
Comment: This sequence change replaces valine, which is neutral and non-polar, with isoleucine, which is neutral and non-polar, at codon 2329 of the FLNA protein (p.Val2329Ile). This variant is not present in population databases (gnomAD no frequency). This variant has not been reported in the literature in individuals affected with FLNA-related conditions. Invitae Evidence Modeling of protein sequence and biophysical properties (such as structural, functional, and spatial information, amino acid conservation, physicochemical variation, residue mobility, and thermodynamic stability) indicates that this missense variant is not expected to disrupt FLNA protein function with a negative predictive value of 95%. In summary, the available evidence is currently insufficient to determine the role of this variant in disease. Therefore, it has been classified as a Variant of Uncertain Significance.